The following is an entry in ClinVar:

ClinVar aggregate classification (germline): Uncertain significance (1 of 4 stars; one submission).

Conditions:
Rubinstein-Taybi syndrome (RSTS). Identifiers: Orphanet 783, MedGen C0035934, MONDO:0019188.

gnomAD v4.1: 2 of 1,614,124 alleles (0.00012%); highest among the groups gnomAD compares: Non-Finnish European, 0.00017%; no homozygotes.

Submission:

Labcorp Genetics (formerly Invitae), Labcorp
Classification: Uncertain significance for Rubinstein-Taybi syndrome. Last evaluated: 2025-08-04. Review status: criteria provided, single submitter. Criteria: Invitae Variant Classification Sherloc (09022015). Collection method: clinical testing. Allele origin: germline.
Comment: This sequence change replaces alanine, which is neutral and non-polar, with valine, which is neutral and non-polar, at codon 920 of the CREBBP protein (p.Ala920Val). This variant is not present in population databases (gnomAD no frequency). This variant has not been reported in the literature in individuals affected with CREBBP-related conditions. Invitae Evidence Modeling of protein sequence and biophysical properties (such as structural, functional, and spatial information, amino acid conservation, physicochemical variation, residue mobility, and thermodynamic stability) indicates that this missense variant is not expected to disrupt CREBBP protein function with a negative predictive value of 95%. In summary, the available evidence is currently insufficient to determine the role of this variant in disease. Therefore, it has been classified as a Variant of Uncertain Significance.

NM_004380.3(CREBBP):c.2759C>T (p.Ala920Val)

Gene: CREBBP (CREB binding lysine acetyltransferase; minus strand). Cytogenetic location: 16p13.3.
Variant type: single nucleotide variant.
Coding change: c.2759C>T on transcript NM_004380.3 (MANE Select); coding-DNA position 2759, C replaced by T.
Protein change: p.Ala920Val; replaces alanine 920 with valine.
Molecular consequence: missense variant.
Genome position (GRCh38, 1-based): chr16:3,770,691, G>A on the plus strand (C>T on the coding strand, the complement: CREBBP is on the minus strand). VCF-style: chr16-3770691-G-A. GRCh37 (hg19) VCF-style: chr16-3820692-G-A.
Other names: c.2645C>T, p.Ala882Val (NM_001079846.1); short protein forms A882V, A920V.
Identifiers: ClinVar variation 4778394 (VCV004778394.1).